The following is an entry in ClinVar:

NM_000440.3(PDE6A):c.2275-10C>T

Gene: PDE6A (phosphodiesterase 6A; minus strand). Cytogenetic location: 5q32.
Variant type: single nucleotide variant.
Coding change: c.2275-10C>T on transcript NM_000440.3 (MANE Select); 10 bases into the intron before coding-DNA position 2275, C replaced by T.
Molecular consequence: intron variant.
Genome position (GRCh38, 1-based): chr5:149,866,263, G>A on the plus strand (C>T on the coding strand, the complement: PDE6A is on the minus strand). VCF-style: chr5-149866263-G-A. GRCh37 (hg19) VCF-style: chr5-149245826-G-A.
Other names: c.2275-10C>T (NM_000440.2).
Identifiers: ClinVar variation 1085681 (VCV001085681.10), dbSNP rs148881523, ClinGen allele CA3504333.

ClinVar aggregate classification (germline): Likely benign. Review status: criteria provided, multiple submitters, no conflicts (2 of 4 stars). 2 submissions from 2 submitters: Likely benign (2). Last evaluated 2025-09-19.

Conditions:
PDE6A-related disorder. Also called: PDE6A-related condition.

Allele frequency attached by ClinVar (database versions not stated): gnomAD exomes 0.00001; ExAC 0.00002; TOPMed 0.00006; gnomAD 0.00009 and 0.00010; ESP Exome Variant Server 0.00015; 1000 Genomes Project 30x 0.00016; 1000 Genomes Project 0.00020.
gnomAD v4.1: 20 of 1,604,932 alleles (0.0012%); highest among the groups gnomAD compares: African/African-American, 0.023%; no homozygotes.

Submissions (2):

Labcorp Genetics (formerly Invitae), Labcorp
Classification: Likely benign. Last evaluated: 2025-09-19. Review status: criteria provided, single submitter. Criteria: Invitae Variant Classification Sherloc (09022015). Collection method: clinical testing. Allele origin: germline.

PreventionGenetics, part of Exact Sciences
Classification: Likely benign for PDE6A-related condition. Last evaluated: 2024-12-12. Review status: criteria provided, single submitter. Criteria: ACMG Guidelines, 2015. Collection method: clinical testing. Allele origin: germline.
Comment: This variant is classified as likely benign based on ACMG/AMP sequence variant interpretation guidelines (Richards et al. 2015 PMID: 25741868, with internal and published modifications).